The following is an entry in ClinVar:

ClinVar aggregate classification (germline): Uncertain significance (1 of 4 stars; one submission).

Conditions:
Charcot-Marie-Tooth disease type 4. Also called: Charcot-Marie-Tooth disease, type IV; Charcot-Marie-Tooth, Type 4. Identifiers: Orphanet 64749, MedGen C4082197, MONDO:0018995.

Submission:

Labcorp Genetics (formerly Invitae), Labcorp
Classification: Uncertain significance for Charcot-Marie-Tooth disease type 4. Last evaluated: 2022-09-13. Review status: criteria provided, single submitter. Criteria: Invitae Variant Classification Sherloc (09022015). Collection method: clinical testing. Allele origin: germline.
Comment: This sequence change replaces proline, which is neutral and non-polar, with leucine, which is neutral and non-polar, at codon 312 of the SBF2 protein (p.Pro312Leu). This variant is not present in population databases (gnomAD no frequency). This variant has not been reported in the literature in individuals affected with SBF2-related conditions. ClinVar contains an entry for this variant (Variation ID: 1010075). Advanced modeling of protein sequence and biophysical properties (such as structural, functional, and spatial information, amino acid conservation, physicochemical variation, residue mobility, and thermodynamic stability) performed at Invitae indicates that this missense variant is expected to disrupt SBF2 protein function. In summary, the available evidence is currently insufficient to determine the role of this variant in disease. Therefore, it has been classified as a Variant of Uncertain Significance.

NM_030962.4(SBF2):c.935C>T (p.Pro312Leu)

Gene: SBF2 (SET binding factor 2; minus strand). Cytogenetic location: 11p15.4.
Variant type: single nucleotide variant.
Coding change: c.935C>T on transcript NM_030962.4 (MANE Select); coding-DNA position 935, C replaced by T.
Protein change: p.Pro312Leu; replaces proline 312 with leucine.
Molecular consequence: missense variant.
Genome position (GRCh38, 1-based): chr11:9,998,306, G>A on the plus strand (C>T on the coding strand, the complement: SBF2 is on the minus strand). VCF-style: chr11-9998306-G-A. GRCh37 (hg19) VCF-style: chr11-10019853-G-A.
Other names: c.935C>T, p.Pro312Leu (NM_001386339.1, NM_001386342.1); short protein forms P312L.
Identifiers: ClinVar variation 1010075 (VCV001010075.9), dbSNP rs1947799030, ClinGen allele CA379639739.